The following is an entry in ClinVar:

NM_020919.4(ALS2):c.1850C>T (p.Ala617Val)

Gene: ALS2 (alsin Rho guanine nucleotide exchange factor ALS2; minus strand). Cytogenetic location: 2q33.1.
Variant type: single nucleotide variant.
Coding change: c.1850C>T on transcript NM_020919.4 (MANE Select); coding-DNA position 1850, C replaced by T.
Protein change: p.Ala617Val; replaces alanine 617 with valine.
Molecular consequence: missense variant.
Genome position (GRCh38, 1-based): chr2:201,746,714, G>A on the plus strand (C>T on the coding strand, the complement: ALS2 is on the minus strand). VCF-style: chr2-201746714-G-A. GRCh37 (hg19) VCF-style: chr2-202611437-G-A.
Other names: short protein forms A617V.
Identifiers: ClinVar variation 1376997 (VCV001376997.6), dbSNP rs2106056896, ClinGen allele CA350325600.

ClinVar aggregate classification (germline): Uncertain significance (1 of 4 stars; one submission).

Conditions:
Infantile-onset ascending hereditary spastic paralysis (IAHSP). Also called: Autosomal Recessive Juvenile Amyotrophic Lateral Sclerosis; Infantile-Onset Ascending Hereditary Spastic Paralysis (IAHSP). Identifiers: Orphanet 293168, MedGen C2931441, MONDO:0011797, OMIM 607225. Disease mechanism: loss of function.

Submission:

Labcorp Genetics (formerly Invitae), Labcorp
Classification: Uncertain significance for Infantile-onset ascending hereditary spastic paralysis. Last evaluated: 2021-12-02. Review status: criteria provided, single submitter. Criteria: Invitae Variant Classification Sherloc (09022015). Collection method: clinical testing. Allele origin: germline.
Comment: This sequence change replaces alanine, which is neutral and non-polar, with valine, which is neutral and non-polar, at codon 617 of the ALS2 protein (p.Ala617Val). This variant is not present in population databases (gnomAD no frequency). This variant has not been reported in the literature in individuals affected with ALS2-related conditions. Algorithms developed to predict the effect of missense changes on protein structure and function are either unavailable or do not agree on the potential impact of this missense change (SIFT: "Deleterious"; PolyPhen-2: "Probably Damaging"; Align-GVGD: "Class C0"). In summary, the available evidence is currently insufficient to determine the role of this variant in disease. Therefore, it has been classified as a Variant of Uncertain Significance.